The following is an entry in ClinVar:

NM_000090.4(COL3A1):c.1627G>A (p.Gly543Arg)

Gene: COL3A1 (collagen type III alpha 1 chain; plus strand). Cytogenetic location: 2q32.2.
Variant type: single nucleotide variant.
Coding change: c.1627G>A on transcript NM_000090.4 (MANE Select); coding-DNA position 1627, G replaced by A.
Protein change: p.Gly543Arg; replaces glycine 543 with arginine.
Molecular consequence: missense variant.
Genome position (GRCh38, 1-based): chr2:188,996,143, G>A. VCF-style: chr2-188996143-G-A. GRCh37 (hg19) VCF-style: chr2-189860869-G-A.
Other names: short protein forms G543R.
Identifiers: ClinVar variation 3393474 (VCV003393474.1).
Genomic context (GRCh38, chr2:188,996,143, plus strand): 5'-ATTTCATTTTAAATCACCTAACAACTGACTTCTTTACTTCAGGGCATGCCCGGAAGTCCA[G>A]GAGGACCAGGAAGTGATGGGAAACCAGGGCCTCCCGTATGTACATTTTTAAAATCTCATT-3'
Protein context (NP_000081.2, residues 533-553): PGMRGMPGSP[Gly543Arg]GPGSDGKPGP

ClinVar aggregate classification (germline): Uncertain significance (1 of 4 stars; one submission).

Conditions:
Ehlers-Danlos syndrome, type 4 (EDSVASC). Also called: Ehlers-Danlos syndrome vascular type; Ehlers Danlos syndrome, ecchymotic type; Ehlers Danlos syndrome, arterial type; Ehlers Danlos syndrome, Sack-Barabas type; Ehlers-Danlos Syndrome Type IV. Identifiers: Orphanet 286, MedGen C0268338, MONDO:0017314, OMIM 130050.

Submission:

KardioGenetik, Herz- und Diabeteszentrum NRW
Classification: Uncertain significance for Ehlers-Danlos syndrome, type 4. Last evaluated: 2024-12-20. Review status: criteria provided, single submitter. Criteria: ACMG Guidelines, 2015. Collection method: clinical testing. Allele origin: unknown. Affected: yes. Observed: 1 variant allele.
Comment: The COL3A1 gene encodes for type III collagen alpha-1, an important component of the extracellular matrix. The expert group of the Clinical Genome Resource (ClinGen) classifies COL3A1 as a gene of definitive relevance for autosomal dominant Ehlers-Danlos syndrome, vascular type 4 (vEDS). Numerous COL3A1 variants associated with Ehlers-Danlos syndrome are listed in the Human Gene Mutation Database (HGMD) as likely pathogenic or pathogenic. The variant in question is unknown in the databases and the literature. It does not appear in the normal population cohorts of the gnomAD database, with an allele frequency of zero. The assessment of the amino acid substitution Gly543Arg by the bioinformatics meta-prediction program REVEL indicates it is pathogenic. Overall, however, these criteria are not sufficient for classification as likely pathogenic.